The following is an entry in ClinVar:

NM_001351169.2(NT5C2):c.101+217_101+218del

Gene: NT5C2 (5'-nucleotidase, cytosolic II; minus strand). Cytogenetic location: 10q24.33.
Variant type: Deletion.
Coding change: c.101+217_101+218del on transcript NM_001351169.2 (MANE Select); bases 217 to 218 of the intron after coding-DNA position 101, 2 bases deleted (TT; older notation c.101+217_101+218delTT).
Molecular consequence: intron variant.
Genome position (GRCh38, 1-based): chr10:103,174,640-103,174,641, AA deleted on the plus strand (TT on the coding strand, the reverse complement: NT5C2 is on the minus strand); deleting any 2 consecutive bases within chr10:103,174,640-103,174,642 gives the same sequence; the c. name uses the placement nearest the transcript's 3' end. VCF-style (leftmost placement, unchanged base first): chr10-103174639-CAA-C. GRCh37 (hg19) VCF-style: chr10-104934396-CAA-C.
Other names: c.-307+217_-307+218del (NM_001351181.2); c.-399+217_-399+218del (NM_001351183.2); c.-581+217_-581+218del (NM_001351194.2); c.-591+217_-591+218del (NM_001351180.2); c.-460+217_-460+218del (NM_001351176.2); c.-652+217_-652+218del (NM_001351188.2); c.101+217_101+218del (NM_001134373.3, NM_001351170.2, NM_012229.5 and 3 more transcripts); c.-665+217_-665+218del (NM_001351184.2, NM_001351189.2); and 9 more.
Identifiers: ClinVar variation 667733 (VCV000667733.1), dbSNP rs35243673, ClinGen allele CA212414873.

ClinVar aggregate classification (germline): Benign (1 of 4 stars; one submission).

Submission:

GeneDx
Classification: Benign. Last evaluated: 2018-06-14. Review status: criteria provided, single submitter. Criteria: GeneDx Variant Classification (06012015). Collection method: clinical testing. Allele origin: germline. Affected: yes.
Comment: This variant is considered likely benign or benign based on one or more of the following criteria: it is a conservative change, it occurs at a poorly conserved position in the protein, it is predicted to be benign by multiple in silico algorithms, and/or has population frequency not consistent with disease.